The following continues an entry in ClinVar:

NM_004004.6(GJB2):c.187G>T (p.Val63Leu)

Gene: GJB2. ClinVar aggregate classification (germline): Uncertain significance. Uncertain significance (1).

Submissions 7 to 10 of 10:

New York Genome Center
Classification: Uncertain significance for Autosomal dominant nonsyndromic hearing loss 3A. Last evaluated: 2023-05-08. Review status: criteria provided, single submitter. Criteria: NYGC Assertion Criteria 2020. Collection method: clinical testing. Allele origin: inherited. Observed: 1 heterozygote. Not counted in ClinVar's aggregate classification.
Comment: The inherited heterozygous c.187G>T p.(Val63Leu) variant identified in the GJB2 gene has previously been reported as heterozygous in multiple individuals with non‐syndromic hearing loss [PMID: 21557232, 26252218, 26043044, 19366456, 24612839, 25266519, others] and as compound heterozygous in at least two families with recessively inherited hearing loss [PMID: 19707039, 24507663]. This variant has been deposited in ClinVar [ClinVar ID:447443] as Variant of Uncertain Significance (2 submissions) and Likely Pathogenic (1 submission), and was classified as a Variant of Uncertain by a recent study[PMID: 36048236]. In population databases (gnomAD v2.1.1 and v3.1.2, TOPMed Freeze 8), the c.187G>T variant is observed at ~0.0027% minor allele frequency across populations (with 0 homozygotes), including ~0.03% minor allele frequency in East Asian sub-population which is higher than the expected maximum allele frequency for a pathogenic variant in the GJB2-related dominant hearing loss. The c.187G>T variant in GJB2is located in exon 2 of this 2-exon gene and is predicted to replace an evolutionarily conserved valine amino acid with leucine at position 63 of the encoded protein.In silico predictions are in favor of damaging effect for p.(Val63Leu) [REVEL = 0.929]; however, there are no functional studies to support or refute these predictions. Due to the lack of compelling evidence for its pathogenicity, this inherited heterozygous c.187G>T p.(Val63Leu) variant identified in GJB2 is classified as a Variant of Uncertain Significance for GJB2-related autosomal dominant hearing loss.

Blueprint Genetics
Classification: Uncertain significance. Last evaluated: 2022-08-08. Review status: criteria provided, single submitter. Criteria: ACMG Guidelines, 2015. Collection method: clinical testing. Allele origin: germline. Not counted in ClinVar's aggregate classification.

Juno Genomics, Hangzhou Juno Genomics, Inc
Classification: Uncertain significance for Autosomal recessive nonsyndromic hearing loss 1A. Review status: criteria provided, single submitter. Criteria: ACMG Guidelines, 2015. Collection method: clinical testing. Allele origin: germline. Not counted in ClinVar's aggregate classification.
Comment: Multiple lines of computational evidence support a deleterious effect on the gene or gene product.;For recessive disorders, detected in trans with a pathogenic variant.

Counsyl
Classification: Uncertain significance for Autosomal recessive nonsyndromic hearing loss 1A. Last evaluated: 2017-07-05. Review status: no assertion criteria provided. Collection method: clinical testing. Allele origin: unknown. Not counted in ClinVar's aggregate classification.

Literature cited by the submitters: PubMed 19366456 (cited by 3 submitters); PubMed 12792423 (cited by 4 submitters); PubMed 19744334 (cited by Women's Health and Genetics/Laboratory Corporation of America, LabCorp and Athena Diagnostics); PubMed 24612839 (cited by 3 submitters); PubMed 26252218 (cited by 3 submitters); PubMed 25266519 (cited by 3 submitters); PubMed 31992338 (cited by Women's Health and Genetics/Laboratory Corporation of America, LabCorp and Athena Diagnostics); PubMed 31035178 (cited by Women's Health and Genetics/Laboratory Corporation of America, LabCorp and Athena Diagnostics); PubMed 34335733 (cited by Women's Health and Genetics/Laboratory Corporation of America, LabCorp and Athena Diagnostics); PubMed 34403091 (cited by 3 submitters); PubMed 37824171 (cited by Women's Health and Genetics/Laboratory Corporation of America, LabCorp and Natera, Inc.); PubMed 19707039 (cited by 3 submitters); PubMed 40054393 (cited by Women's Health and Genetics/Laboratory Corporation of America, LabCorp); PubMed 21557232 (cited by 3 submitters); PubMed 30693673 (cited by Women's Health and Genetics/Laboratory Corporation of America, LabCorp and Athena Diagnostics); PubMed 26043044 (cited by 3 submitters); PubMed 18316665 (cited by Natera, Inc. and Athena Diagnostics); PubMed 21366436 (cited by Athena Diagnostics and Counsyl); PubMed 30762455 (cited by Athena Diagnostics); PubMed 19718752 (cited by Athena Diagnostics); PubMed 34276761 (cited by Athena Diagnostics); PubMed 28640090 (cited by Athena Diagnostics); PubMed 31053783 (cited by Athena Diagnostics); PubMed 36788145 (cited by Athena Diagnostics); PubMed 36048236 (cited by Athena Diagnostics and New York Genome Center); PubMed 32355288 (cited by Athena Diagnostics); PubMed 35182233 (cited by Athena Diagnostics); PubMed 31911633 (cited by Athena Diagnostics); PubMed 30275481 (cited by Athena Diagnostics); PubMed 25388846 (cited by Athena Diagnostics); PubMed 24507663 (cited by Athena Diagnostics and Counsyl); PubMed 27534436 (cited by Athena Diagnostics and Counsyl).